The following is an entry in ClinVar:

NM_013266.4(CTNNA3):c.2588del (p.Lys863fs)

Gene: CTNNA3 (catenin alpha 3; minus strand). Cytogenetic location: 10q21.3.
Variant type: Deletion.
Coding change: c.2588del on transcript NM_013266.4 (MANE Select); coding-DNA position 2588, one base deleted (A; older notation c.2588delA).
Protein change: p.Lys863fs; shifts the reading frame from lysine 863.
Molecular consequence: frameshift variant.
Genome position (GRCh38, 1-based): chr10:65,920,430, T deleted on the plus strand (A on the coding strand, the reverse complement: CTNNA3 is on the minus strand); the first of 2 consecutive T bases (chr10:65,920,430-65,920,431); deleting either gives the same sequence. VCF-style (leftmost placement, unchanged base first): chr10-65920429-CT-C. GRCh37 (hg19) VCF-style: chr10-67680187-CT-C.
Other names: c.2588del, p.Lys863fs (NM_001127384.3); short protein forms K863fs.
Identifiers: ClinVar variation 180313 (VCV000180313.5), dbSNP rs730880073, ClinGen allele CA346276.
Genomic context (GRCh38, chr10:65,920,429, plus strand): 5'-CAATGGATGGATTTTTTTCTTTGCTGAGCCTCGTCTGACAGCTGCACACGTTTCCTCTGG[CT>C]TCTCTCTTTTAATCAAGGGTTTTTTTGCAGGAGCCTTCATTCTCCACATCACAACTGGGT-3'

ClinVar aggregate classification (germline): Uncertain significance (1 of 4 stars; one submission).

Conditions:
Arrhythmogenic right ventricular dysplasia 13. Also called: Arrhythmogenic right ventricular dysplasia, familial, 13; ARRHYTHMOGENIC RIGHT VENTRICULAR CARDIOMYOPATHY 13. Identifiers: MedGen C3810138, MONDO:0000908, OMIM 615616.

Submission:

Labcorp Genetics (formerly Invitae), Labcorp
Classification: Uncertain significance for Arrhythmogenic right ventricular dysplasia 13. Last evaluated: 2022-07-21. Review status: criteria provided, single submitter. Criteria: Invitae Variant Classification Sherloc (09022015). Collection method: clinical testing. Allele origin: germline.
Comment: This variant is present in population databases (rs730880073, gnomAD 0.02%). This sequence change creates a premature translational stop signal (p.Lys863Serfs*24) in the CTNNA3 gene. While this is not anticipated to result in nonsense mediated decay, it is expected to disrupt the last 33 amino acid(s) of the CTNNA3 protein. This variant has not been reported in the literature in individuals affected with CTNNA3-related conditions. In summary, the available evidence is currently insufficient to determine the role of this variant in disease. Therefore, it has been classified as a Variant of Uncertain Significance. ClinVar contains an entry for this variant (Variation ID: 180313).